The following is an entry in ClinVar:

NM_001382567.1(STIM1):c.1080A>G (p.Gln360=)

Gene: STIM1 (stromal interaction molecule 1; plus strand). Cytogenetic location: 11p15.4.
Variant type: single nucleotide variant.
Coding change: c.1080A>G on transcript NM_001382567.1 (MANE Select); coding-DNA position 1080, A replaced by G.
Protein change: p.Gln360=; no amino-acid change (glutamine 360 retained).
Molecular consequence: synonymous variant. On other transcripts: non-coding transcript variant (2).
Genome position (GRCh38, 1-based): chr11:4,082,294, A>G. VCF-style: chr11-4082294-A-G. GRCh37 (hg19) VCF-style: chr11-4103524-A-G.
Other names: p.Gln360=; c.1080A>G, p.Gln360= (NM_001277961.3, NM_001277962.2, NM_001382568.1 and 1 more transcripts); c.858A>G, p.Gln286= (NM_001382566.1, NM_001382573.1, NM_001382575.1 and 4 more transcripts); c.945A>G, p.Gln315= (NM_001382569.1); c.852A>G, p.Gln284= (NM_001382570.1); c.600A>G, p.Gln200= (NM_001382571.1); c.591A>G, p.Gln197= (NM_001382580.1, NM_001382581.1).
Identifiers: ClinVar variation 258966 (VCV000258966.23), dbSNP rs2304891, ClinGen allele CA5830383.

ClinVar aggregate classification (germline): Benign. Review status: criteria provided, multiple submitters, no conflicts (2 of 4 stars). 10 submissions from 8 submitters: Benign (10). Last evaluated 2026-02-04.

Conditions:
Myopathy with tubular aggregates (TAM). Also called: Tubular Aggregate Myopathy. Identifiers: Orphanet 2593, MedGen C0410207, MONDO:0008051.
Stormorken syndrome (STRMK). Also called: THROMBOCYTOPATHY, ASPLENIA, AND MIOSIS. Identifiers: Orphanet 3204, MedGen C1861451, MONDO:0008497, OMIM 185070.
Combined immunodeficiency due to STIM1 deficiency. Also called: IMMUNODEFICIENCY 10; STIM1 DEFICIENCY. Identifiers: Orphanet 169090, Orphanet 317430, MedGen C2748557, MONDO:0013008, OMIM 612783.
Myopathy, tubular aggregate, 1 (TAM1). Identifiers: MedGen C4011726, MONDO:0024531, OMIM 160565.

Allele frequency attached by ClinVar (database versions not stated): gnomAD 0.43695 and 0.43325; 1000 Genomes Project 30x 0.38445; 1000 Genomes Project 0.38898; TOPMed 0.43127; ESP Exome Variant Server 0.43876; gnomAD exomes 0.50274 and 0.55591; ExAC 0.49960.
gnomAD v4.1: 876,842 of 1,613,296 alleles (54%); highest among the groups gnomAD compares: Non-Finnish European, 58%; 246,275 homozygotes.

Submissions (10):

Labcorp Genetics (formerly Invitae), Labcorp
Classification: Benign for Myopathy with tubular aggregates; Combined immunodeficiency due to STIM1 deficiency; Stormorken syndrome. Last evaluated: 2026-02-04. Review status: criteria provided, single submitter. Criteria: Invitae Variant Classification Sherloc (09022015). Collection method: clinical testing. Allele origin: germline.

Unidad de Genómica Garrahan, Hospital de Pediatría Garrahan
Classification: Benign. Last evaluated: 2024-01-24. Review status: criteria provided, single submitter. Criteria: ACMG Guidelines, 2015. Collection method: clinical testing. Allele origin: germline. Affected: no. Observed: 62 variant alleles.
Comment: This variant is classified as Benign based on local population frequency. This variant was detected in 65% of patients studied by a panel of primary immunodeficiencies. Number of patients: 62. Only high quality variants are reported.

Mayo Clinic Laboratories, Mayo Clinic
Classification: Benign. Last evaluated: 2022-09-29. Review status: criteria provided, single submitter. Criteria: ACMG Guidelines, 2015. Collection method: clinical testing. Allele origin: germline. Observed: 2,467 variant alleles.

Genome-Nilou Lab
Classification: Benign for Combined immunodeficiency due to STIM1 deficiency. Last evaluated: 2021-07-15. Review status: criteria provided, single submitter. Criteria: ACMG Guidelines, 2015. Collection method: clinical testing. Allele origin: germline. Affected: no.

Genome-Nilou Lab
Classification: Benign for Myopathy, tubular aggregate, 1. Last evaluated: 2021-07-15. Review status: criteria provided, single submitter. Criteria: ACMG Guidelines, 2015. Collection method: clinical testing. Allele origin: germline. Affected: no.

Genome-Nilou Lab
Classification: Benign for Stormorken syndrome. Last evaluated: 2021-07-15. Review status: criteria provided, single submitter. Criteria: ACMG Guidelines, 2015. Collection method: clinical testing. Allele origin: germline. Affected: no.

Laboratory for Molecular Medicine, Mass General Brigham Personalized Medicine
Classification: Benign. Last evaluated: 2016-03-28. Review status: criteria provided, single submitter. Criteria: LMM Criteria. Collection method: clinical testing. Allele origin: germline.
Comment: Variant identified in a genome or exome case(s) and assessed due to predicted null impact of the variant or pathogenic assertions in the literature or databases. Disclaimer: This variant has not undergone full assessment. The following are preliminary notes: Frequency

GeneDx
Classification: Benign. Last evaluated: 2015-10-20. Review status: criteria provided, single submitter. Criteria: GeneDx Variant Classification (06012015). Collection method: clinical testing. Allele origin: germline. Affected: yes.
Comment: This variant is considered likely benign or benign based on one or more of the following criteria: it is a conservative change, it occurs at a poorly conserved position in the protein, it is predicted to be benign by multiple in silico algorithms, and/or has population frequency not consistent with disease.

Breakthrough Genomics
Classification: Benign. Review status: criteria provided, single submitter. Criteria: ACMG Guidelines, 2015. Collection method: not provided. Allele origin: germline. Inheritance: Autosomal recessive inheritance. Affected: yes.

PreventionGenetics, part of Exact Sciences
Classification: Benign. Review status: criteria provided, single submitter. Criteria: ACMG Guidelines, 2015. Collection method: clinical testing. Allele origin: germline.